The following is an entry in ClinVar:

NM_002474.3(MYH11):c.4283A>G (p.Glu1428Gly)

Genes: MYH11 (myosin heavy chain 11; minus strand), NDE1 (nudE neurodevelopment protein 1; plus strand). Cytogenetic location: 16p13.11.
Variant type: single nucleotide variant.
Coding change: c.4283A>G on transcript NM_002474.3 (MANE Select); coding-DNA position 4283, A replaced by G.
Protein change: p.Glu1428Gly; replaces glutamic acid 1428 with glycine.
Molecular consequence: missense variant.
Genome position (GRCh38, 1-based): chr16:15,724,243, T>C on the plus strand (A>G on the coding strand, the complement: MYH11 is on the minus strand). VCF-style: chr16-15724243-T-C. GRCh37 (hg19) VCF-style: chr16-15818100-T-C.
Other names: c.4304A>G, p.Glu1435Gly (NM_001040113.2, NM_001040114.2); c.4283A>G, p.Glu1428Gly (NM_022844.3); c.1000T>C, p.Ser334Pro (NM_001143979.2, NM_017668.3); c.4283A>G (NM_002474.2); short protein forms E1428G, S334P, E1435G.
Identifiers: ClinVar variation 2740446 (VCV002740446.2), dbSNP rs1314555293, ClinGen allele CA394857147.

ClinVar aggregate classification (germline): Uncertain significance. Review status: criteria provided, multiple submitters, no conflicts (2 of 4 stars). 2 submissions from 2 submitters: Uncertain significance (2). Last evaluated 2026-05-12.

Conditions:
Familial thoracic aortic aneurysm and aortic dissection (TAAD). Also called: Thoracic aortic aneurysms and dissections. Identifiers: Orphanet 91387, MedGen C4707243, MONDO:0019625.
Aortic aneurysm, familial thoracic 4 (AAT4). Also called: AORTIC ANEURYSM/AORTIC DISSECTION AND PATENT DUCTUS ARTERIOSUS. Identifiers: MedGen C1851504, MONDO:0007568, OMIM 132900.

Allele frequency attached by ClinVar (database versions not stated): gnomAD exomes below 0.00001.
gnomAD v4.1: 1 of 1,614,184 alleles (0.000062%); highest among the groups gnomAD compares: Admixed American, 0.0017%; no homozygotes.

Submissions (2):

Ambry Genetics
Classification: Uncertain significance for Familial thoracic aortic aneurysm and aortic dissection. Last evaluated: 2026-05-12. Review status: criteria provided, single submitter. Criteria: Ambry Variant Classification Scheme 2023. Collection method: clinical testing. Allele origin: germline.

Labcorp Genetics (formerly Invitae), Labcorp
Classification: Uncertain significance for Aortic aneurysm, familial thoracic 4. Last evaluated: 2023-07-18. Review status: criteria provided, single submitter. Criteria: Invitae Variant Classification Sherloc (09022015). Collection method: clinical testing. Allele origin: germline.
Comment: In summary, the available evidence is currently insufficient to determine the role of this variant in disease. Therefore, it has been classified as a Variant of Uncertain Significance. Advanced modeling of protein sequence and biophysical properties (such as structural, functional, and spatial information, amino acid conservation, physicochemical variation, residue mobility, and thermodynamic stability) performed at Invitae indicates that this missense variant is not expected to disrupt MYH11 protein function. This variant has not been reported in the literature in individuals affected with MYH11-related conditions. This variant is present in population databases (no rsID available, gnomAD 0.003%). This sequence change replaces glutamic acid, which is acidic and polar, with glycine, which is neutral and non-polar, at codon 1435 of the MYH11 protein (p.Glu1435Gly).